The following is an entry in ClinVar:

ClinVar aggregate classification (germline): Uncertain significance. Review status: criteria provided, multiple submitters, no conflicts (2 of 4 stars). 2 submissions from 2 submitters: Uncertain significance (2). Last evaluated 2025-12-09.

Conditions:
Aortic aneurysm, familial thoracic 7 (AAT7). Also called: AORTIC DISSECTION, FAMILIAL, WITH OR WITHOUT AORTIC ANEURYSM. Identifiers: MedGen C3151077, MONDO:0013418, OMIM 613780.
Familial thoracic aortic aneurysm and aortic dissection (TAAD). Also called: Thoracic aortic aneurysms and dissections. Identifiers: Orphanet 91387, MedGen C4707243, MONDO:0019625.

Allele frequency attached by ClinVar (database versions not stated): ExAC 0.00001; TOPMed 0.00002.
gnomAD v4.1: 10 of 1,613,788 alleles (0.00062%); highest among the groups gnomAD compares: Middle Eastern, 0.016%; no homozygotes.

Submissions (2):

Labcorp Genetics (formerly Invitae), Labcorp
Classification: Uncertain significance for Aortic aneurysm, familial thoracic 7. Last evaluated: 2025-12-09. Review status: criteria provided, single submitter. Criteria: Invitae Variant Classification Sherloc (09022015). Collection method: clinical testing. Allele origin: germline.
Comment: This sequence change replaces serine, which is neutral and polar, with phenylalanine, which is neutral and non-polar, at codon 1472 of the MYLK protein (p.Ser1472Phe). This variant is present in population databases (rs773996829, gnomAD 0.0009%). This variant has not been reported in the literature in individuals affected with MYLK-related conditions. ClinVar contains an entry for this variant (Variation ID: 2187969). An algorithm developed to predict the effect of missense changes on protein structure and function (PolyPhen-2) suggests that this variant is likely to be tolerated. In summary, the available evidence is currently insufficient to determine the role of this variant in disease. Therefore, it has been classified as a Variant of Uncertain Significance.

Ambry Genetics
Classification: Uncertain significance for Familial thoracic aortic aneurysm and aortic dissection. Last evaluated: 2025-10-23. Review status: criteria provided, single submitter. Criteria: Ambry Variant Classification Scheme 2023. Collection method: clinical testing. Allele origin: germline.
Comment: The c.4415C>T variant (also known as p.S1472F), located in coding exon 23 of the MYLK gene, results from a C to T substitution at nucleotide position 4415. The amino acid change results in serine to phenylalanine at codon 1472, an amino acid with highly dissimilar properties. This amino acid position is not well conserved in available vertebrate species. In addition, the in silico prediction for this alteration is inconclusive. Based on the available evidence, the clinical significance of this variant remains unclear.

NM_053025.4(MYLK):c.4415C>T (p.Ser1472Phe)

Gene: MYLK (myosin light chain kinase; minus strand). Cytogenetic location: 3q21.1.
Variant type: single nucleotide variant.
Coding change: c.4415C>T on transcript NM_053025.4 (MANE Select); coding-DNA position 4415, C replaced by T.
Protein change: p.Ser1472Phe; replaces serine 1472 with phenylalanine.
Molecular consequence: missense variant.
Genome position (GRCh38, 1-based): chr3:123,648,971, G>A on the plus strand (C>T on the coding strand, the complement: MYLK is on the minus strand). VCF-style: chr3-123648971-G-A. GRCh37 (hg19) VCF-style: chr3-123367818-G-A.
Other names: c.4415C>T (NM_053025.3); c.3887C>T, p.Ser1296Phe (NM_001321309.2); c.4208C>T, p.Ser1403Phe (NM_053026.4, NM_053028.4); c.4415C>T, p.Ser1472Phe (NM_053027.4); short protein forms S1296F, S1403F, S1472F.
Identifiers: ClinVar variation 2187969 (VCV002187969.4), dbSNP rs773996829, ClinGen allele CA071628.
Genomic context (GRCh38, chr3:123,648,971, plus strand): 5'-CTGTGAGACCCGCACCACCCTCACCCTGGGAGCCCAGAGGCAACTTCCCACTCCACTTAC[G>A]ATCCTAATCTCTCCTCAATGTCGTAGAAGTCAGATACTTTTTGTTCAGTATTGATTGTCA-3'
Protein context (NP_444253.3, residues 1462-1482): DFYDIEERLG[Ser1472Phe]GKFGQVFRLV